The following is an entry in ClinVar:

NM_002017.5(FLI1):c.70G>A (p.Gly24Arg)

Gene: FLI1 (Fli-1 proto-oncogene, ETS transcription factor; plus strand). Cytogenetic location: 11q24.3.
Variant type: single nucleotide variant.
Coding change: c.70G>A on transcript NM_002017.5 (MANE Select); coding-DNA position 70, G replaced by A.
Protein change: p.Gly24Arg; replaces glycine 24 with arginine.
Molecular consequence: missense variant. On other transcripts: 5 prime UTR variant (3).
Genome position (GRCh38, 1-based): chr11:128,758,166, G>A. VCF-style: chr11-128758166-G-A. GRCh37 (hg19) VCF-style: chr11-128628061-G-A.
Other names: c.70G>A (NM_002017.4, NM_002017.3); c.-30G>A (NM_001167681.3); c.-300G>A (NM_001271010.2); c.-151G>A (NM_001271012.2); short protein forms G24R.
Identifiers: ClinVar variation 2717857 (VCV002717857.4), dbSNP rs373912179, ClinGen allele CA6356927.

ClinVar aggregate classification (germline): Uncertain significance. Review status: criteria provided, multiple submitters, no conflicts (2 of 4 stars). 3 submissions from 3 submitters: Uncertain significance (3). Last evaluated 2026-01-08.

Conditions:
Inborn genetic diseases. Identifiers: MedGen C0950123, MeSH D030342.
FLI1-related disorder. Also called: FLI1-related condition.

Allele frequency attached by ClinVar (database versions not stated): gnomAD exomes 0.00002; ExAC 0.00005; TOPMed 0.00014; 1000 Genomes Project 30x 0.00016; ESP Exome Variant Server 0.00016; 1000 Genomes Project 0.00020; gnomAD 0.00020.

Submissions (3):

PreventionGenetics, part of Exact Sciences
Classification: Uncertain significance for FLI1-related condition. Last evaluated: 2026-01-08. Review status: criteria provided, single submitter. Criteria: ACMG Guidelines, 2015. Collection method: clinical testing. Allele origin: germline.
Comment: The FLI1 c.70G>A variant is predicted to result in the amino acid substitution p.Gly24Arg. To our knowledge, this variant has not been reported in the literature. This variant is reported in 0.050% of alleles in individuals of African descent in gnomAD. At this time, the clinical significance of this variant is uncertain due to the absence of conclusive functional and genetic evidence.

Labcorp Genetics (formerly Invitae), Labcorp
Classification: Uncertain significance. Last evaluated: 2024-02-02. Review status: criteria provided, single submitter. Criteria: Invitae Variant Classification Sherloc (09022015). Collection method: clinical testing. Allele origin: germline.
Comment: This sequence change replaces glycine, which is neutral and non-polar, with arginine, which is basic and polar, at codon 24 of the FLI1 protein (p.Gly24Arg). This variant is present in population databases (rs373912179, gnomAD 0.05%), and has an allele count higher than expected for a pathogenic variant. This variant has not been reported in the literature in individuals affected with FLI1-related conditions. Advanced modeling of protein sequence and biophysical properties (such as structural, functional, and spatial information, amino acid conservation, physicochemical variation, residue mobility, and thermodynamic stability) performed at Invitae indicates that this missense variant is not expected to disrupt FLI1 protein function with a negative predictive value of 80%. In summary, the available evidence is currently insufficient to determine the role of this variant in disease. Therefore, it has been classified as a Variant of Uncertain Significance.

Ambry Genetics
Classification: Uncertain significance for Inborn genetic diseases. Last evaluated: 2023-12-21. Review status: criteria provided, single submitter. Criteria: Ambry Variant Classification Scheme 2023. Collection method: clinical testing. Allele origin: germline.